The following is an entry in ClinVar:

NM_003482.4(KMT2D):c.7212C>T (p.Pro2404=)

Gene: KMT2D (lysine methyltransferase 2D; minus strand). Cytogenetic location: 12q13.12.
Variant type: single nucleotide variant.
Coding change: c.7212C>T on transcript NM_003482.4 (MANE Select); coding-DNA position 7212, C replaced by T.
Protein change: p.Pro2404=; no amino-acid change (proline 2404 retained).
Molecular consequence: synonymous variant.
Genome position (GRCh38, 1-based): chr12:49,040,558, G>A on the plus strand (C>T on the coding strand, the complement: KMT2D is on the minus strand). VCF-style: chr12-49040558-G-A. GRCh37 (hg19) VCF-style: chr12-49434341-G-A.
Identifiers: ClinVar variation 2642954 (VCV002642954.24), dbSNP rs1329492022, ClinGen allele CA479712137.

ClinVar aggregate classification (germline): Likely benign (1 of 4 stars; one submission).

Allele frequency attached by ClinVar (database versions not stated): gnomAD exomes below 0.00001; gnomAD 0.00001; TOPMed 0.00001.
gnomAD v4.1: 3 of 1,612,080 alleles (0.00019%); highest among the groups gnomAD compares: Non-Finnish European, 0.00025%; no homozygotes.

Submission:

CeGaT Center for Human Genetics Tuebingen
Classification: Likely benign. Last evaluated: 2023-01-01. Review status: criteria provided, single submitter. Criteria: CeGaT Center For Human Genetics Tuebingen Variant Classification Criteria Version 2. Collection method: clinical testing. Allele origin: germline. Affected: yes. Observed: 1 variant allele.
Comment: KMT2D: BP4, BP7